The following is an entry in ClinVar:

ClinVar aggregate classification (germline): Likely pathogenic (1 of 4 stars; one submission).

Conditions:
Congenital myasthenic syndrome 12 (CMS12). Also called: MYASTHENIC SYNDROME, CONGENITAL, WITH TUBULAR AGGREGATES 1; Myasthenia, congenital, 12, with tubular aggregates. Identifiers: Orphanet 353327, Orphanet 590, MedGen C3552335, MONDO:0012518, OMIM 610542.

Submission:

Labcorp Genetics (formerly Invitae), Labcorp
Classification: Likely pathogenic for Congenital myasthenic syndrome 12. Last evaluated: 2024-06-28. Review status: criteria provided, single submitter. Criteria: Invitae Variant Classification Sherloc (09022015). Collection method: clinical testing. Allele origin: germline.
Comment: This sequence change affects an acceptor splice site in intron 11 of the GFPT1 gene. It is expected to disrupt RNA splicing. Variants that disrupt the donor or acceptor splice site typically lead to a loss of protein function (PMID: 16199547), and loss-of-function variants in GFPT1 are known to be pathogenic (PMID: 23794683). This variant is not present in population databases (gnomAD no frequency). This variant has not been reported in the literature in individuals affected with GFPT1-related conditions. Algorithms developed to predict the effect of sequence changes on RNA splicing suggest that this variant may disrupt the consensus splice site. In summary, the currently available evidence indicates that the variant is pathogenic, but additional data are needed to prove that conclusively. Therefore, this variant has been classified as Likely Pathogenic.

Literature cited by the submitters: PubMed 16199547; PubMed 23794683.

NM_001244710.2(GFPT1):c.1010-2A>G

Gene: GFPT1 (glutamine--fructose-6-phosphate transaminase 1; minus strand). Cytogenetic location: 2p13.3.
Variant type: single nucleotide variant.
Coding change: c.1010-2A>G on transcript NM_001244710.2 (MANE Select); the canonical splice acceptor site of the intron before coding-DNA position 1010, A replaced by G.
Molecular consequence: splice acceptor variant.
Genome position (GRCh38, 1-based): chr2:69,346,001, T>C on the plus strand (A>G on the coding strand, the complement: GFPT1 is on the minus strand). VCF-style: chr2-69346001-T-C. GRCh37 (hg19) VCF-style: chr2-69573133-T-C.
Other names: c.956-2A>G (NM_002056.4).
Identifiers: ClinVar variation 3626138 (VCV003626138.2).